The following is an entry in ClinVar:

NM_000489.6(ATRX):c.4018C>T (p.Leu1340Phe)

Gene: ATRX (ATRX chromatin remodeler; minus strand). Cytogenetic location: Xq21.1.
Variant type: single nucleotide variant.
Coding change: c.4018C>T on transcript NM_000489.6 (MANE Select); coding-DNA position 4018, C replaced by T.
Protein change: p.Leu1340Phe; replaces leucine 1340 with phenylalanine.
Molecular consequence: missense variant.
Genome position (GRCh38, 1-based): chrX:77,663,484, G>A on the plus strand (C>T on the coding strand, the complement: ATRX is on the minus strand). VCF-style: chrX-77663484-G-A. GRCh37 (hg19) VCF-style: chrX-76918973-G-A.
Other names: c.3904C>T, p.Leu1302Phe (NM_138270.5); c.4018C>T (NM_000489.3); short protein forms L1302F, L1340F.
Identifiers: ClinVar variation 1400223 (VCV001400223.7), dbSNP rs2070041722, ClinGen allele CA413699625.

ClinVar aggregate classification (germline): Uncertain significance. Review status: criteria provided, multiple submitters, no conflicts (2 of 4 stars). 2 submissions from 2 submitters: Uncertain significance (2). Last evaluated 2024-07-14.

Conditions:
Alpha thalassemia-X-linked intellectual disability syndrome (ATRX). Also called: ATR-X syndrome; Alpha thalassemia mental retardation syndrome, nondeletion type, X-linked; XLMR hypotonic face syndrome; X-linked alpha-thalassemia-mental retardation syndrome; ALPHA-THALASSEMIA/IMPAIRED INTELLECTUAL DEVELOPMENT SYNDROME, X-LINKED; ALPHA-THALASSEMIA/MENTAL RETARDATION SYNDROME, X-LINKED. Identifiers: Orphanet 847, MedGen C1845055, MONDO:0010519, OMIM 301040.
Inborn genetic diseases. Identifiers: MedGen C0950123, MeSH D030342.

Allele frequency attached by ClinVar (database versions not stated): gnomAD exomes below 0.00001; TOPMed below 0.00001.
gnomAD v4.1: 2 of 1,210,777 alleles (0.00017%); highest among the groups gnomAD compares: Non-Finnish European, 0.00022%; no homozygotes.

Submissions (2):

Ambry Genetics
Classification: Uncertain significance for Inborn genetic diseases. Last evaluated: 2024-07-14. Review status: criteria provided, single submitter. Criteria: Ambry Variant Classification Scheme 2023. Collection method: clinical testing. Allele origin: germline.

Labcorp Genetics (formerly Invitae), Labcorp
Classification: Uncertain significance for Alpha thalassemia-X-linked intellectual disability syndrome. Last evaluated: 2023-11-10. Review status: criteria provided, single submitter. Criteria: Invitae Variant Classification Sherloc (09022015). Collection method: clinical testing. Allele origin: germline.
Comment: This sequence change replaces leucine, which is neutral and non-polar, with phenylalanine, which is neutral and non-polar, at codon 1340 of the ATRX protein (p.Leu1340Phe). This variant is not present in population databases (gnomAD no frequency). This variant has not been reported in the literature in individuals affected with ATRX-related conditions. ClinVar contains an entry for this variant (Variation ID: 1400223). Advanced modeling of protein sequence and biophysical properties (such as structural, functional, and spatial information, amino acid conservation, physicochemical variation, residue mobility, and thermodynamic stability) performed at Invitae indicates that this missense variant is not expected to disrupt ATRX protein function with a negative predictive value of 95%. In summary, the available evidence is currently insufficient to determine the role of this variant in disease. Therefore, it has been classified as a Variant of Uncertain Significance.